The following is an entry in ClinVar:

NM_000059.4(BRCA2):c.5070A>C (p.Lys1690Asn)

Gene: BRCA2 (BRCA2 DNA repair associated; plus strand). Cytogenetic location: 13q13.1.
Variant type: single nucleotide variant.
Coding change: c.5070A>C on transcript NM_000059.4 (MANE Select); coding-DNA position 5070, A replaced by C.
Protein change: p.Lys1690Asn; replaces lysine 1690 with asparagine.
Molecular consequence: missense variant.
Genome position (GRCh38, 1-based): chr13:32,339,425, A>C. VCF-style: chr13-32339425-A-C. GRCh37 (hg19) VCF-style: chr13-32913562-A-C.
Other names: p.K1690N:AAA>AAC; 5298A>C; short protein forms K1690N.
Identifiers: ClinVar variation 37942 (VCV000037942.79), dbSNP rs56087561, ClinGen allele CA021204.

ClinVar aggregate classification (germline): Benign. Review status: reviewed by expert panel (3 of 4 stars). 30 submissions from 30 submitters: Benign (1). 29 of the submissions do not count toward it. Last evaluated 2015-08-10.

Conditions:
Hereditary cancer-predisposing syndrome. Also called: Neoplastic Syndromes, Hereditary; Hereditary neoplastic syndrome; Hereditary Cancer Syndrome; Tumor predisposition. Identifiers: Orphanet 140162, MedGen C0027672, MeSH D009386, MONDO:0015356.
Breast and/or ovarian cancer. Identifiers: MedGen CN221562.
Wilms tumor 1 (WT1). Also called: Wilms tumor, somatic. Identifiers: Orphanet 654, MedGen CN033288, MONDO:0008679, OMIM 194070.
Medulloblastoma (MDB). Also called: Medulloblastoma, somatic; MEDULLOBLASTOMA PREDISPOSITION SYNDROME. Identifiers: Orphanet 616, MedGen C0025149, MeSH D008527, MONDO:0007959, OMIM 155255, HP:0002885.
Breast-ovarian cancer, familial, susceptibility to, 2 (BROVCA2). Also called: BRCA2 Hereditary Breast and Ovarian Cancer. Identifiers: Orphanet 145, MedGen C2675520, MONDO:0012933, OMIM 612555. Disease mechanism: loss of function.
Familial cancer of breast. Also called: Hereditary breast cancer; hereditary breast carcinoma; BREAST CANCER, FAMILIAL. Identifiers: Orphanet 227535, MedGen C0346153, MONDO:0016419, OMIM 114480. Disease mechanism: loss of function.
Glioma susceptibility 3 (GLM3). Also called: Glioblastoma 3. Identifiers: Orphanet 182067, Orphanet 360, MedGen C2751641, MONDO:0013093, OMIM 613029.
Pancreatic cancer, susceptibility to, 2. Identifiers: Orphanet 1333, MedGen C3150546, MONDO:0013235, OMIM 613347.
Prostate cancer. Also called: Malignant tumor of prostate. Identifiers: Orphanet 1331, MedGen C0376358, MONDO:0008315, HP:0012125.
Fanconi anemia complementation group D1. Also called: BRCA2-Related Fanconi Anemia. Identifiers: Orphanet 319462, MedGen C1838457, MONDO:0011584, OMIM 605724.
Hereditary breast ovarian cancer syndrome. Also called: Hereditary breast and ovarian cancer syndrome (HBOC); Breast and ovarian cancer; BRCA1- and BRCA2-Associated Hereditary Breast and Ovarian Cancer; Hereditary breast and ovarian cancer syndrome; Hereditary breast and ovarian cancer; Hereditary breast and/or ovarian cancer syndrome. Identifiers: Orphanet 145, MedGen C0677776, MeSH D061325, MONDO:0003582. Disease mechanism: loss of function.
Chordoma. Identifiers: Orphanet 178, MedGen C0008487, MONDO:0008978, HP:0010762.
Malignant tumor of breast. Also called: Malignant breast neoplasm; Cancer breast. Identifiers: MedGen C0006142, MONDO:0007254. Disease mechanism: loss of function.

Allele frequency attached by ClinVar (database versions not stated): gnomAD exomes 0.00022 and 0.00019; TOPMed 0.00021; ExAC 0.00021; ESP Exome Variant Server 0.00015; gnomAD 0.00023.
gnomAD v4.1: 306 of 1,593,180 alleles (0.019%); highest among the groups gnomAD compares: Non-Finnish European, 0.021%; no homozygotes.

Submissions 1 to 17 of 30:

Evidence-based Network for the Interpretation of Germline Mutant Alleles (ENIGMA)
Classification: Benign for Breast-ovarian cancer, familial 2. Last evaluated: 2015-08-10. Review status: reviewed by expert panel. Criteria: ENIGMA BRCA1/2 Classification Criteria (2015). Collection method: curation. Allele origin: germline.
Comment: IARC class based on posterior probability from multifactorial likelihood analysis, thresholds for class as per Plon et al. 2008 (PMID: 18951446). Class 1 based on posterior probability = 0.0000000459

CeGaT Center for Human Genetics Tuebingen
Classification: Likely benign. Last evaluated: 2026-09-01. Review status: criteria provided, single submitter. Criteria: CeGaT Center For Human Genetics Tuebingen Variant Classification Criteria Version 2. Collection method: clinical testing. Allele origin: germline. Affected: yes. Observed: 12 variant alleles. Not counted in ClinVar's aggregate classification.
Comment: BRCA2: BP1, BS1

Labcorp Genetics (formerly Invitae), Labcorp
Classification: Benign for Hereditary breast ovarian cancer syndrome. Last evaluated: 2026-02-04. Review status: criteria provided, single submitter. Criteria: Invitae Variant Classification Sherloc (09022015). Collection method: clinical testing. Allele origin: germline. Not counted in ClinVar's aggregate classification.

Center for Genomic Medicine, Rigshospitalet, Copenhagen University Hospital
Classification: Benign. Last evaluated: 2025-03-04. Review status: criteria provided, single submitter. Criteria: ACMG Guidelines, 2015. Collection method: clinical testing. Allele origin: germline. Not counted in ClinVar's aggregate classification.

Laboratory of Genetics, Children's Clinical University Hospital Latvia
Classification: Benign. Last evaluated: 2025-02-16. Review status: criteria provided, single submitter. Criteria: ACMG Guidelines, 2015. Collection method: clinical testing. Allele origin: germline. Affected: yes. Not counted in ClinVar's aggregate classification.

ARUP Laboratories, Molecular Genetics and Genomics, ARUP Laboratories
Classification: Benign. Last evaluated: 2024-11-22. Review status: criteria provided, single submitter. Criteria: ARUP Molecular Germline Variant Investigation Process 2024. Collection method: clinical testing. Allele origin: germline. Not counted in ClinVar's aggregate classification.

Blueprint Genetics
Classification: Likely benign. Last evaluated: 2024-11-19. Review status: criteria provided, single submitter. Criteria: ACMG Guidelines, 2015. Collection method: clinical testing. Allele origin: germline. Not counted in ClinVar's aggregate classification.

Department of Clinical Genetics, Copenhagen University Hospital, Rigshospitalet
Classification: Benign for Hereditary cancer-predisposing syndrome. Last evaluated: 2024-02-02. Review status: criteria provided, single submitter. Criteria: ACMG Guidelines, 2015. Collection method: clinical testing. Allele origin: germline. Not counted in ClinVar's aggregate classification.
Comment: The following ACMG criteria is used: BS1 (FAF > 0.01% in gnomAD), BP1_Strong (SpliceAI: less than or equal to 0.1)

Laboratory for Molecular Medicine, Mass General Brigham Personalized Medicine
Classification: Likely benign. Last evaluated: 2023-06-02. Review status: criteria provided, single submitter. Criteria: ACMG Guidelines, 2015. Collection method: clinical testing. Allele origin: germline. Not counted in ClinVar's aggregate classification.
Comment: The p.Lys1690Asn variant in BRCA2 is classified as likely benign because it has been identified in 0.29% (10/3466) of Ashkenazi Jewish chromosomes and 0.031% (21/68012) of European chromosomes by gnomAD. ACMG/AMP Criteria applied: BS1_Supporting

Fulgent Genetics
Classification: Benign for Familial cancer of breast; Medulloblastoma; Familial prostate cancer; Wilms tumor 1; Fanconi anemia complementation group D1; Breast-ovarian cancer, familial, susceptibility to, 2; Glioma susceptibility 3; Pancreatic cancer, susceptibility to, 2. Last evaluated: 2022-03-01. Review status: criteria provided, single submitter. Criteria: ACMG Guidelines, 2015. Collection method: clinical testing. Allele origin: unknown. Not counted in ClinVar's aggregate classification.

Genetic Services Laboratory, University of Chicago
Classification: Likely benign. Last evaluated: 2022-01-03. Review status: criteria provided, single submitter. Criteria: ACMG Guidelines, 2015. Collection method: clinical testing. Allele origin: germline. Affected: no. Not counted in ClinVar's aggregate classification.

Sema4
Classification: Likely benign for Hereditary cancer-predisposing syndrome. Last evaluated: 2021-05-07. Review status: criteria provided, single submitter. Criteria: Sema4 Curation Guidelines. Collection method: curation. Allele origin: germline. Not counted in ClinVar's aggregate classification.

GeneDx
Classification: Likely benign. Last evaluated: 2020-10-09. Review status: criteria provided, single submitter. Criteria: GeneDx Variant Classification Process June 2021. Collection method: clinical testing. Allele origin: germline. Affected: yes. Not counted in ClinVar's aggregate classification.
Comment: This variant is associated with the following publications: (PMID: 21952622, 21702907, 11304778, 25948282, 22366370, 28324225, 21990134, 17924331, 17997147, 15172753, 18951446, 24212087, 24323938, 22811390, 12161607, 24489791, 26689913, 19912264, 24504028, 27930734, 18256760, 32444794)

CHEO Genetics Diagnostic Laboratory, Children's Hospital of Eastern Ontario
Classification: Likely benign for Breast and/or ovarian cancer. Last evaluated: 2017-12-20. Review status: criteria provided, single submitter. Criteria: ACMG Guidelines, 2015. Collection method: clinical testing. Allele origin: germline. Not counted in ClinVar's aggregate classification.

Genome Diagnostics Laboratory, University Medical Center Utrecht
Classification: Benign for Breast-ovarian cancer, familial, susceptibility to, 2. Last evaluated: 2017-07-28. Review status: criteria provided, single submitter. Criteria: ACGS Guidelines, 2013. Collection method: clinical testing. Allele origin: germline. Affected: yes. Study: VKGL Data-share Consensus. Not counted in ClinVar's aggregate classification.

Clinical Genetics DNA and cytogenetics Diagnostics Lab, Erasmus MC, Erasmus Medical Center
Classification: Benign for Breast-ovarian cancer, familial, susceptibility to, 2. Last evaluated: 2017-05-31. Review status: criteria provided, single submitter. Criteria: ACGS Guidelines, 2013. Collection method: clinical testing. Allele origin: germline. Affected: yes. Study: VKGL Data-share Consensus. Not counted in ClinVar's aggregate classification.

Cancer Genetics and Genomics Laboratory, British Columbia Cancer Agency
Classification: Benign. Last evaluated: 2017-04-18. Review status: criteria provided, single submitter. Criteria: ACMG Guidelines, 2015. Collection method: clinical testing. Allele origin: germline. Study: The Canadian Open Genetics Repository (COGR). Not counted in ClinVar's aggregate classification.